The following is an entry in ClinVar:

ClinVar aggregate classification (germline): Uncertain significance (1 of 4 stars; one submission).

Allele frequency attached by ClinVar (database versions not stated): gnomAD 0.00002; TOPMed 0.00002; gnomAD exomes 0.00003.
gnomAD v4.1: 44 of 1,613,916 alleles (0.0027%); highest among the groups gnomAD compares: Non-Finnish European, 0.0034%; no homozygotes.

Submission:

Labcorp Genetics (formerly Invitae), Labcorp
Classification: Uncertain significance. Last evaluated: 2023-12-18. Review status: criteria provided, single submitter. Criteria: Invitae Variant Classification Sherloc (09022015). Collection method: clinical testing. Allele origin: germline.
Comment: This sequence change affects codon 304 of the LOXL3 mRNA. It is a 'silent' change, meaning that it does not change the encoded amino acid sequence of the LOXL3 protein. This variant also falls at the last nucleotide of exon 5, which is part of the consensus splice site for this exon. This variant is present in population databases (no rsID available, gnomAD 0.002%). This variant has not been reported in the literature in individuals affected with LOXL3-related conditions. ClinVar contains an entry for this variant (Variation ID: 1900476). Variants that disrupt the consensus splice site are a relatively common cause of aberrant splicing (PMID: 17576681, 9536098). Algorithms developed to predict the effect of sequence changes on RNA splicing suggest that this variant may disrupt the consensus splice site. In summary, the available evidence is currently insufficient to determine the role of this variant in disease. Therefore, it has been classified as a Variant of Uncertain Significance.

Literature cited by the submitters: PubMed 17576681; PubMed 9536098.

NM_032603.5(LOXL3):c.912G>A (p.Glu304=)

Gene: LOXL3 (lysyl oxidase like 3; minus strand). Cytogenetic location: 2p13.1.
Variant type: single nucleotide variant.
Coding change: c.912G>A on transcript NM_032603.5 (MANE Select); coding-DNA position 912, G replaced by A.
Protein change: p.Glu304=; no amino-acid change (glutamic acid 304 retained).
Molecular consequence: synonymous variant. On other transcripts: intron variant (2).
Genome position (GRCh38, 1-based): chr2:74,536,709, C>T on the plus strand (G>A on the coding strand, the complement: LOXL3 is on the minus strand). VCF-style: chr2-74536709-C-T. GRCh37 (hg19) VCF-style: chr2-74763836-C-T.
Other names: c.478-238G>A (NM_001289164.3); c.-171-238G>A (NM_001289165.2).
Identifiers: ClinVar variation 1900476 (VCV001900476.5), dbSNP rs1010703715, ClinGen allele CA50492572.